The following is an entry in ClinVar:

NM_021831.6(AGBL5):c.2106C>G (p.Asp702Glu)

Gene: AGBL5 (AGBL carboxypeptidase 5; plus strand). Cytogenetic location: 2p23.3.
Variant type: single nucleotide variant.
Coding change: c.2106C>G on transcript NM_021831.6 (MANE Select); coding-DNA position 2106, C replaced by G.
Protein change: p.Asp702Glu; replaces aspartic acid 702 with glutamic acid.
Molecular consequence: missense variant. On other transcripts: non-coding transcript variant (2).
Genome position (GRCh38, 1-based): chr2:27,067,510, C>G. VCF-style: chr2-27067510-C-G. GRCh37 (hg19) VCF-style: chr2-27290378-C-G.
Other names: short protein forms D702E.
Identifiers: ClinVar variation 857502 (VCV000857502.10), dbSNP rs775021473, ClinGen allele CA1568099.
Genomic context (GRCh38, chr2:27,067,510, plus strand): 5'-CCCACTTATTTGCCCTTTTATCTGCTTGTATCTCTTCCACTCAGAGCCCCGAAGCCAGGA[C>G]AGGAGACGGCAGCAGCAGCCCCTGAACCATCGTCCTGCAGGCAGCCTCGCTCCATCCCCA-3'
Protein context (NP_068603.4, residues 692-712): LGPVREPRSQ[Asp702Glu]RRRQQQPLNH

ClinVar aggregate classification (germline): Uncertain significance. Review status: criteria provided, multiple submitters, no conflicts (2 of 4 stars). 2 submissions from 2 submitters: Uncertain significance (2). Last evaluated 2024-05-02.

Conditions:
Inborn genetic diseases. Identifiers: MedGen C0950123, MeSH D030342.

Allele frequency attached by ClinVar (database versions not stated): ExAC 0.00001; gnomAD 0.00001; gnomAD exomes 0.00001; TOPMed 0.00003.
gnomAD v4.1: 4 of 1,613,958 alleles (0.00025%); highest among the groups gnomAD compares: Admixed American, 0.0017%; no homozygotes.

Submissions (2):

Ambry Genetics
Classification: Uncertain significance for Inborn genetic diseases. Last evaluated: 2024-05-02. Review status: criteria provided, single submitter. Criteria: Ambry Variant Classification Scheme 2023. Collection method: clinical testing. Allele origin: germline.

Labcorp Genetics (formerly Invitae), Labcorp
Classification: Uncertain significance. Last evaluated: 2019-11-26. Review status: criteria provided, single submitter. Criteria: Invitae Variant Classification Sherloc (09022015). Collection method: clinical testing. Allele origin: germline.
Comment: This sequence change replaces aspartic acid with glutamic acid at codon 702 of the AGBL5 protein (p.Asp702Glu). The aspartic acid residue is moderately conserved and there is a small physicochemical difference between aspartic acid and glutamic acid. This variant is present in population databases (rs775021473, ExAC 0.006%). This variant has not been reported in the literature in individuals with AGBL5-related conditions. Algorithms developed to predict the effect of missense changes on protein structure and function output the following: SIFT: "Tolerated"; PolyPhen-2: "Benign"; Align-GVGD: "Class C0". The glutamic acid amino acid residue is found in multiple mammalian species, suggesting that this missense change does not adversely affect protein function. These predictions have not been confirmed by published functional studies and their clinical significance is uncertain. In summary, the available evidence is currently insufficient to determine the role of this variant in disease. Therefore, it has been classified as a Variant of Uncertain Significance.